The following is an entry in ClinVar:

ClinVar aggregate classification (germline): Likely benign (0 of 4 stars; one submission).

Conditions:
SFTPA2-related disorder. Also called: SFTPA2-related condition.

Allele frequency attached by ClinVar (database versions not stated): ExAC 0.00013; ESP Exome Variant Server 0.00015; TOPMed 0.00023; gnomAD 0.00029; 1000 Genomes Project 30x 0.00031; 1000 Genomes Project 0.00040.
gnomAD v4.1: 130 of 1,613,908 alleles (0.0081%); highest among the groups gnomAD compares: African/African-American, 0.08%; no homozygotes.

Submission:

PreventionGenetics, part of Exact Sciences
Classification: Likely benign for SFTPA2-related condition. Last evaluated: 2021-05-03. Review status: no assertion criteria provided. Collection method: clinical testing. Allele origin: germline.
Comment: This variant is classified as likely benign based on ACMG/AMP sequence variant interpretation guidelines (Richards et al. 2015 PMID: 25741868, with internal and published modifications).

NM_001098668.4(SFTPA2):c.531C>T (p.Phe177=)

Gene: SFTPA2 (surfactant protein A2; minus strand). Cytogenetic location: 10q22.3.
Variant type: single nucleotide variant.
Coding change: c.531C>T on transcript NM_001098668.4 (MANE Select); coding-DNA position 531, C replaced by T.
Protein change: p.Phe177=; no amino-acid change (phenylalanine 177 retained).
Molecular consequence: synonymous variant.
Genome position (GRCh38, 1-based): chr10:79,557,425, G>A on the plus strand (C>T on the coding strand, the complement: SFTPA2 is on the minus strand). VCF-style: chr10-79557425-G-A. GRCh37 (hg19) VCF-style: chr10-81317181-G-A.
Other names: c.531C>T, p.Phe177= (NM_001320813.2); c.561C>T, p.Phe187= (NM_001320814.1).
Identifiers: ClinVar variation 3051988 (VCV003051988.2), dbSNP rs374604304, ClinGen allele CA5574019.